The following is an entry in ClinVar:

NM_006949.4(STXBP2):c.1549G>T (p.Gly517Cys)

Gene: STXBP2 (syntaxin binding protein 2; plus strand). Cytogenetic location: 19p13.2.
Variant type: single nucleotide variant.
Coding change: c.1549G>T on transcript NM_006949.4 (MANE Select); coding-DNA position 1549, G replaced by T.
Protein change: p.Gly517Cys; replaces glycine 517 with cysteine.
Molecular consequence: missense variant. On other transcripts: non-coding transcript variant (1).
Genome position (GRCh38, 1-based): chr19:7,647,364, G>T. VCF-style: chr19-7647364-G-T. GRCh37 (hg19) VCF-style: chr19-7712250-G-T.
Other names: c.1582G>T, p.Gly528Cys (NM_001272034.2); c.1540G>T, p.Gly514Cys (NM_001127396.3); short protein forms G517C, G528C, G514C.
Identifiers: ClinVar variation 1395374 (VCV001395374.8), dbSNP rs200026300, ClinGen allele CA9144258.
Genomic context (GRCh38, chr19:7,647,364, plus strand): 5'-GGCGGCGGTGAGGGCCTCCTGCCTGGACTTTCTGCCCCTGCCCTGCACAGTGCCCGCTTC[G>T]GTCACTGGCACAAGAACAAGGCTGGCATAGAAGCCCGGGCGGGCCCCCGGCTCATCGTGT-3'
Protein context (NP_008880.2, residues 507-527): SSQAAVSARF[Gly517Cys]HWHKNKAGIE

ClinVar aggregate classification (germline): Uncertain significance (1 of 4 stars; one submission).

Conditions:
Familial hemophagocytic lymphohistiocytosis 5. Also called: STXBP2-Related Familial Hemophagocytic Lymphohistiocytosis (STXBP2-fHLH). Identifiers: Orphanet 540, MedGen C2751293, MONDO:0013135, OMIM 613101.

gnomAD v4.1: 3 of 1,613,282 alleles (0.00019%); highest among the groups gnomAD compares: South Asian, 0.0033%; no homozygotes.

Submission:

Labcorp Genetics (formerly Invitae), Labcorp
Classification: Uncertain significance for Familial hemophagocytic lymphohistiocytosis 5. Last evaluated: 2022-02-05. Review status: criteria provided, single submitter. Criteria: Invitae Variant Classification Sherloc (09022015). Collection method: clinical testing. Allele origin: germline.
Comment: In summary, the available evidence is currently insufficient to determine the role of this variant in disease. Therefore, it has been classified as a Variant of Uncertain Significance. Algorithms developed to predict the effect of missense changes on protein structure and function are either unavailable or do not agree on the potential impact of this missense change (SIFT: "Deleterious"; PolyPhen-2: "Probably Damaging"; Align-GVGD: "Class C0"). This variant has not been reported in the literature in individuals affected with STXBP2-related conditions. This variant is present in population databases (rs200026300, gnomAD 0.003%). This sequence change replaces glycine, which is neutral and non-polar, with cysteine, which is neutral and slightly polar, at codon 517 of the STXBP2 protein (p.Gly517Cys).